The following is an entry in ClinVar:

NM_020944.3(GBA2):c.2055T>C (p.Ser685=)

Gene: GBA2 (glucosylceramidase beta 2; minus strand). Cytogenetic location: 9p13.3.
Variant type: single nucleotide variant.
Coding change: c.2055T>C on transcript NM_020944.3 (MANE Select); coding-DNA position 2055, T replaced by C.
Protein change: p.Ser685=; no amino-acid change (serine 685 retained).
Molecular consequence: synonymous variant.
Genome position (GRCh38, 1-based): chr9:35,738,374, A>G on the plus strand (T>C on the coding strand, the complement: GBA2 is on the minus strand). VCF-style: chr9-35738374-A-G. GRCh37 (hg19) VCF-style: chr9-35738371-A-G.
Other names: c.2055T>C, p.Ser685= (NM_001330660.2).
Identifiers: ClinVar variation 458300 (VCV000458300.8), dbSNP rs202088139, ClinGen allele CA5050195.

ClinVar aggregate classification (germline): Conflicting classifications of pathogenicity. Review status: criteria provided, conflicting classifications (1 of 4 stars). 2 submissions from 2 submitters: Uncertain significance (1); Likely benign (1). Last evaluated 2026-04-01.

Conditions:
Spastic paraplegia. Identifiers: MedGen C0037772, HP:0001258.

Allele frequency attached by ClinVar (database versions not stated): ExAC 0.00002; gnomAD exomes 0.00003 and 0.00005; TOPMed 0.00003; gnomAD 0.00007.
gnomAD v4.1: 79 of 1,613,736 alleles (0.0049%); highest among the groups gnomAD compares: African/African-American, 0.0053%; no homozygotes.

Submissions (2):

CeGaT Center for Human Genetics Tuebingen
Classification: Likely benign. Last evaluated: 2026-04-01. Review status: criteria provided, single submitter. Criteria: CeGaT Center For Human Genetics Tuebingen Variant Classification Criteria Version 2. Collection method: clinical testing. Allele origin: germline. Affected: yes. Observed: 1 variant allele.
Comment: GBA2: BP4, BP7

Labcorp Genetics (formerly Invitae), Labcorp
Classification: Uncertain significance for Spastic paraplegia. Last evaluated: 2023-09-20. Review status: criteria provided, single submitter. Criteria: Invitae Variant Classification Sherloc (09022015). Collection method: clinical testing. Allele origin: germline.
Comment: In summary, the available evidence is currently insufficient to determine the role of this variant in disease. Therefore, it has been classified as a Variant of Uncertain Significance. Algorithms developed to predict the effect of sequence changes on RNA splicing suggest that this variant is not likely to affect RNA splicing. ClinVar contains an entry for this variant (Variation ID: 458300). This variant has not been reported in the literature in individuals affected with GBA2-related conditions. This variant is present in population databases (rs202088139, gnomAD 0.01%). This sequence change affects codon 685 of the GBA2 mRNA. It is a 'silent' change, meaning that it does not change the encoded amino acid sequence of the GBA2 protein. It affects a nucleotide within the consensus splice site.